The following is an entry in ClinVar:

ClinVar aggregate classification (germline): Uncertain significance. Review status: criteria provided, multiple submitters, no conflicts (2 of 4 stars). 2 submissions from 2 submitters: Uncertain significance (2). Last evaluated 2026-03-13.

Conditions:
Tuberous sclerosis 2 (TSC2). Identifiers: Orphanet 805, MedGen C1860707, MONDO:0013199, OMIM 613254.
Hereditary cancer-predisposing syndrome. Also called: Neoplastic Syndromes, Hereditary; Tumor predisposition; Hereditary Cancer Syndrome; Hereditary neoplastic syndrome. Identifiers: Orphanet 140162, MedGen C0027672, MeSH D009386, MONDO:0015356.

Submissions (2):

Ambry Genetics
Classification: Uncertain significance for Hereditary cancer-predisposing syndrome. Last evaluated: 2026-03-13. Review status: criteria provided, single submitter. Criteria: Ambry Variant Classification Scheme 2023. Collection method: clinical testing. Allele origin: germline.
Comment: The c.4085_4086delTCinsGA variant, located in coding exon 33 of the TSC2 gene, results from an in-frame deletion of TC and insertion of GA at nucleotide positions 4085 to 4086. This results in the substitution of the valine residue for a glycine residue at codon 1362, an amino acid with dissimilar properties. This amino acid position is not well conserved in available vertebrate species. In addition, the in silico prediction for this variant is inconclusive. Based on the available evidence, the clinical significance of this variant remains unclear.

Labcorp Genetics (formerly Invitae), Labcorp
Classification: Uncertain significance for Tuberous sclerosis 2. Last evaluated: 2021-08-03. Review status: criteria provided, single submitter. Criteria: Invitae Variant Classification Sherloc (09022015). Collection method: clinical testing. Allele origin: germline.
Comment: This variant has not been reported in the literature in individuals affected with TSC2-related conditions. Algorithms developed to predict the effect of missense changes on protein structure and function are either unavailable or do not agree on the potential impact of this missense change (SIFT: "Not Available"; PolyPhen-2: "Benign"; Align-GVGD: "Not Available"). In summary, the available evidence is currently insufficient to determine the role of this variant in disease. Therefore, it has been classified as a Variant of Uncertain Significance. The frequency data for this variant in the population databases is not available, as this variant may be reported as separate entries in the ExAC database. This sequence change replaces valine with glycine at codon 1362 of the TSC2 protein (p.Val1362Gly). The valine residue is weakly conserved and there is a moderate physicochemical difference between valine and glycine.

NM_000548.5(TSC2):c.4085_4086inv (p.Val1362Gly)

Gene: TSC2 (TSC complex subunit 2; plus strand). Cytogenetic location: 16p13.3.
Variant type: Inversion.
Coding change: c.4085_4086inv on transcript NM_000548.5 (MANE Select).
Protein change: p.Val1362Gly; replaces valine 1362 with glycine.
Molecular consequence: missense variant.
Genome position: GRCh38 VCF-style: chr16-2084307-TC-GA. GRCh37 (hg19) VCF-style: chr16-2134308-TC-GA.
Other names: c.3884_3885inv, p.Val1295Gly (NM_001077183.3); c.4016_4017inv, p.Val1339Gly (NM_001114382.3); c.3776_3777inv, p.Val1259Gly (NM_001318827.2); c.3740_3741inv, p.Val1247Gly (NM_001318829.2); c.3353_3354inv, p.Val1118Gly (NM_001318831.2); c.3917_3918inv, p.Val1306Gly (NM_001318832.2); c.3887_3888inv, p.Val1296Gly (NM_001363528.2); c.3953_3954inv, p.Val1318Gly (NM_001370404.1); and 2 more; short protein forms V1118G, V1295G, V1319G, V1247G, V1259G, V1296G, V1339G, V1306G.
Identifiers: ClinVar variation 1475369 (VCV001475369.6), ClinGen allele CA2573151601.